The following is an entry in ClinVar:

NM_001244008.2(KIF1A):c.529T>G (p.Tyr177Asp)

Gene: KIF1A (kinesin family member 1A; minus strand). Cytogenetic location: 2q37.3.
Variant type: single nucleotide variant.
Coding change: c.529T>G on transcript NM_001244008.2 (MANE Select); coding-DNA position 529, T replaced by G.
Protein change: p.Tyr177Asp; replaces tyrosine 177 with aspartic acid.
Molecular consequence: missense variant.
Genome position (GRCh38, 1-based): chr2:240,786,414, A>C on the plus strand (T>G on the coding strand, the complement: KIF1A is on the minus strand). VCF-style: chr2-240786414-A-C. GRCh37 (hg19) VCF-style: chr2-241725831-A-C.
Other names: c.529T>G, p.Tyr177Asp (NM_001320705.2, NM_001330289.2, NM_001330290.2 and 21 more transcripts); short protein forms Y177D.
Identifiers: ClinVar variation 2505605 (VCV002505605.1), dbSNP rs2538352230, ClinGen allele CA351306197.
Genomic context (GRCh38, chr2:240,786,414, plus strand): 5'-CCATGAGGTCCTGGATGTCATTGTAGGAGGTGACAGCCAGCTTGGAGAGGTCCTCCACGT[A>C]GGGCCCCAGCAGTGGGTGCTCCCTCACGCGAAGGTTGCCCTTGTTCTTGGGGTTCAGGAG-3'
Protein context (NP_001230937.1, residues 167-187): RVREHPLLGP[Tyr177Asp]VEDLSKLAVT

ClinVar aggregate classification (germline): Uncertain significance (1 of 4 stars; one submission).

Submission:

GeneDx
Classification: Uncertain significance. Last evaluated: 2022-12-16. Review status: criteria provided, single submitter. Criteria: GeneDx Variant Classification Process June 2021. Collection method: clinical testing. Allele origin: germline. Affected: yes.
Comment: Not observed at significant frequency in large population cohorts (gnomAD); In silico analysis supports that this missense variant has a deleterious effect on protein structure/function; Has not been previously published as pathogenic or benign to our knowledge; This variant is associated with the following publications: (PMID: 21376300, 21820098, 26125038)